The following is an entry in ClinVar:

ClinVar aggregate classification (germline): Uncertain significance. Review status: criteria provided, multiple submitters, no conflicts (2 of 4 stars). 2 submissions from 2 submitters: Uncertain significance (2). Last evaluated 2025-11-19.

Conditions:
Inborn genetic diseases. Identifiers: MedGen C0950123, MeSH D030342.
Weill-Marchesani 4 syndrome, recessive. Also called: Weill-Marchesani syndrome 4. Identifiers: Orphanet 363992, MedGen C2750787, MONDO:0013176, OMIM 613195.

Allele frequency attached by ClinVar (database versions not stated): gnomAD exomes 0.00001; ExAC 0.00002; gnomAD 0.00002.
gnomAD v4.1: 20 of 1,613,998 alleles (0.0012%); highest among the groups gnomAD compares: Middle Eastern, 0.016%; no homozygotes.

Submissions (2):

Labcorp Genetics (formerly Invitae), Labcorp
Classification: Uncertain significance. Last evaluated: 2025-11-19. Review status: criteria provided, single submitter. Criteria: Invitae Variant Classification Sherloc (09022015). Collection method: clinical testing. Allele origin: germline.
Comment: This sequence change replaces glycine, which is neutral and non-polar, with arginine, which is basic and polar, at codon 659 of the ADAMTS17 protein (p.Gly659Arg). This variant is present in population databases (rs768176304, gnomAD 0.006%). This variant has not been reported in the literature in individuals affected with ADAMTS17-related conditions. ClinVar contains an entry for this variant (Variation ID: 2067076). An algorithm developed to predict the effect of missense changes on protein structure and function (PolyPhen-2) suggests that this variant is likely to be disruptive. In summary, the available evidence is currently insufficient to determine the role of this variant in disease. Therefore, it has been classified as a Variant of Uncertain Significance.

Ambry Genetics
Classification: Uncertain significance for Inborn genetic diseases. Last evaluated: 2024-11-21. Review status: criteria provided, single submitter. Criteria: Ambry Variant Classification Scheme 2023. Collection method: clinical testing. Allele origin: germline.

NM_139057.4(ADAMTS17):c.1975G>A (p.Gly659Arg)

Gene: ADAMTS17 (ADAM metallopeptidase with thrombospondin type 1 motif 17; minus strand). Cytogenetic location: 15q26.3.
Variant type: single nucleotide variant.
Coding change: c.1975G>A on transcript NM_139057.4 (MANE Select); coding-DNA position 1975, G replaced by A.
Protein change: p.Gly659Arg; replaces glycine 659 with arginine.
Molecular consequence: missense variant.
Genome position (GRCh38, 1-based): chr15:100,109,030, C>T on the plus strand (G>A on the coding strand, the complement: ADAMTS17 is on the minus strand). VCF-style: chr15-100109030-C-T. GRCh37 (hg19) VCF-style: chr15-100649235-C-T.
Other names: c.1975G>A (NM_139057.2, NM_139057.3); short protein forms G659R.
Identifiers: ClinVar variation 2067076 (VCV002067076.4), dbSNP rs768176304, ClinGen allele CA7757965.